The following is an entry in ClinVar:

ClinVar aggregate classification (germline): Uncertain significance. Review status: criteria provided, multiple submitters, no conflicts (2 of 4 stars). 3 submissions from 3 submitters: Uncertain significance (3). Last evaluated 2026-02-12.

Conditions:
PROM1-related disorder. Also called: PROM1-related condition; PROM1-related disorders.

Submissions (3):

PreventionGenetics, part of Exact Sciences
Classification: Uncertain significance for PROM1-related condition. Last evaluated: 2026-02-12. Review status: criteria provided, single submitter. Criteria: ACMG Guidelines, 2015. Collection method: clinical testing. Allele origin: germline.
Comment: The PROM1 c.1454+4_1454+7delAGTG variant is predicted to result in an intronic deletion. This variant is predicted to alter splicing based on available splicing prediction programs (SpliceAI, Jaganathan et al. 2019. PubMed ID: 30661751). However, the use of computer prediction programs is not equivalent to functional evidence. To our knowledge, this variant has not been reported in the literature. This variant has not been reported in a large population database; however, the coverage of this variant should be interpreted with caution. At this time, the clinical significance of this variant is uncertain due to the absence of conclusive functional and genetic evidence.

Labcorp Genetics (formerly Invitae), Labcorp
Classification: Uncertain significance. Last evaluated: 2025-05-13. Review status: criteria provided, single submitter. Criteria: Invitae Variant Classification Sherloc (09022015). Collection method: clinical testing. Allele origin: germline.
Comment: This sequence change falls in intron 12 of the PROM1 gene. It does not directly change the encoded amino acid sequence of the PROM1 protein. It affects a nucleotide within the consensus splice site. This variant is not present in population databases (gnomAD no frequency). This variant has not been reported in the literature in individuals affected with PROM1-related conditions. Variants that disrupt the consensus splice site are a relatively common cause of aberrant splicing (PMID: 17576681, 9536098). Algorithms developed to predict the effect of sequence changes on RNA splicing suggest that this variant may disrupt the consensus splice site. In summary, the available evidence is currently insufficient to determine the role of this variant in disease. Therefore, it has been classified as a Variant of Uncertain Significance.

Blueprint Genetics
Classification: Uncertain significance. Last evaluated: 2022-06-10. Review status: criteria provided, single submitter. Criteria: ACMG Guidelines, 2015. Collection method: clinical testing. Allele origin: germline.

Literature cited by the submitters: PubMed 17576681 (cited by Labcorp Genetics (formerly Invitae), Labcorp); PubMed 9536098 (cited by Labcorp Genetics (formerly Invitae), Labcorp).

NM_006017.3(PROM1):c.1454+4_1454+7del

Gene: PROM1 (prominin 1; minus strand). Cytogenetic location: 4p15.32.
Variant type: Deletion.
Coding change: c.1454+4_1454+7del on transcript NM_006017.3 (MANE Select); bases 4 to 7 of the intron after coding-DNA position 1454, 4 bases deleted (AGTG; older notation c.1454+4_1454+7delAGTG).
Molecular consequence: splice donor variant.
Genome position (GRCh38, 1-based): chr4:16,006,531-16,006,534, CACT deleted on the plus strand (AGTG on the coding strand, the reverse complement: PROM1 is on the minus strand); deleting any 4 consecutive bases within chr4:16,006,531-16,006,537 gives the same sequence; the c. name uses the placement nearest the transcript's 3' end. VCF-style (leftmost placement, unchanged base first): chr4-16006530-ACACT-A. GRCh37 (hg19) VCF-style: chr4-16008153-ACACT-A.
Other names: c.1454+4_1454+7delAGTG (NM_006017.2); c.1088+4_1088+7del (NM_001441179.1); c.1343+4_1343+7del (NM_001441174.1); c.1427+4_1427+7del (NM_001441177.1, NM_001441178.1, NM_001441176.1 and 9 more transcripts); c.1454+4_1454+7del (NM_001145850.2, NM_001145849.2).
Identifiers: ClinVar variation 4775058 (VCV004775058.3).